The following is an entry in ClinVar:

ClinVar aggregate classification (germline): Pathogenic (1 of 4 stars; one submission).

Conditions:
Wilson disease (WND). Also called: Wilson's disease. Identifiers: Orphanet 905, MedGen C0019202, MONDO:0010200, OMIM 277900. Disease mechanism: loss of function.

Submission:

Labcorp Genetics (formerly Invitae), Labcorp
Classification: Pathogenic for Wilson disease. Last evaluated: 2021-10-27. Review status: criteria provided, single submitter. Criteria: Invitae Variant Classification Sherloc (09022015). Collection method: clinical testing. Allele origin: germline.
Comment: For these reasons, this variant has been classified as Pathogenic. This variant has not been reported in the literature in individuals affected with ATP7B-related conditions. This variant is not present in population databases (gnomAD no frequency). This sequence change creates a premature translational stop signal (p.Ala1231Profs*99) in the ATP7B gene. It is expected to result in an absent or disrupted protein product. Loss-of-function variants in ATP7B are known to be pathogenic (PMID: 10441329, 16283883).

Literature cited by the submitters: PubMed 10441329; PubMed 16283883.

NM_000053.4(ATP7B):c.3691del (p.Ala1231fs)

Gene: ATP7B (ATPase copper transporting beta; minus strand). Cytogenetic location: 13q14.3.
Variant type: Deletion.
Coding change: c.3691del on transcript NM_000053.4 (MANE Select); coding-DNA position 3691, one base deleted (G; older notation c.3691delG).
Protein change: p.Ala1231fs; shifts the reading frame from alanine 1231.
Molecular consequence: frameshift variant.
Genome position (GRCh38, 1-based): chr13:51,939,059, C deleted on the plus strand (G on the coding strand, the reverse complement: ATP7B is on the minus strand). VCF-style (leftmost placement, unchanged base first): chr13-51939058-GC-G. GRCh37 (hg19) VCF-style: chr13-52513194-GC-G.
Other names: c.3070del, p.Ala1024fs (NM_001005918.3); c.3358del, p.Ala1120fs (NM_001243182.2); c.3457del, p.Ala1153fs (NM_001330578.2); c.3439del, p.Ala1147fs (NM_001330579.2); short protein forms A1120fs, A1147fs, A1231fs, A1024fs, A1153fs.
Identifiers: ClinVar variation 1425722 (VCV001425722.6), dbSNP rs2138661836, ClinGen allele CA2573149699.